The following is an entry in ClinVar:

ClinVar aggregate classification (germline): Uncertain significance (1 of 4 stars; one submission).

Conditions:
Alpha thalassemia-X-linked intellectual disability syndrome (ATRX). Also called: ALPHA-THALASSEMIA/MENTAL RETARDATION SYNDROME, X-LINKED; ATR, NONDELETION TYPE; ATR-X syndrome; Alpha thalassemia mental retardation syndrome, nondeletion type, X-linked; XLMR hypotonic face syndrome; X-linked alpha-thalassemia-mental retardation syndrome. Identifiers: Orphanet 847, MedGen C1845055, MONDO:0010519, OMIM 301040.

Submission:

Labcorp Genetics (formerly Invitae), Labcorp
Classification: Uncertain significance for Alpha thalassemia-X-linked intellectual disability syndrome. Last evaluated: 2025-12-26. Review status: criteria provided, single submitter. Criteria: Invitae Variant Classification Sherloc (09022015). Collection method: clinical testing. Allele origin: germline.
Comment: This sequence change replaces threonine, which is neutral and polar, with serine, which is neutral and polar, at codon 1146 of the ATRX protein (p.Thr1146Ser). This variant is not present in population databases (gnomAD no frequency). This variant has not been reported in the literature in individuals affected with ATRX-related conditions. Invitae Evidence Modeling of protein sequence and biophysical properties (such as structural, functional, and spatial information, amino acid conservation, physicochemical variation, residue mobility, and thermodynamic stability) indicates that this missense variant is not expected to disrupt ATRX protein function with a negative predictive value of 95%. In summary, the available evidence is currently insufficient to determine the role of this variant in disease. Therefore, it has been classified as a Variant of Uncertain Significance.

NM_000489.6(ATRX):c.3437C>G (p.Thr1146Ser)

Gene: ATRX (ATRX chromatin remodeler; minus strand). Cytogenetic location: Xq21.1.
Variant type: single nucleotide variant.
Coding change: c.3437C>G on transcript NM_000489.6 (MANE Select); coding-DNA position 3437, C replaced by G.
Protein change: p.Thr1146Ser; replaces threonine 1146 with serine.
Molecular consequence: missense variant.
Genome position (GRCh38, 1-based): chrX:77,681,819, G>C on the plus strand (C>G on the coding strand, the complement: ATRX is on the minus strand). VCF-style: chrX-77681819-G-C. GRCh37 (hg19) VCF-style: chrX-76937311-G-C.
Other names: c.3323C>G, p.Thr1108Ser (NM_138270.5); short protein forms T1108S, T1146S.
Identifiers: ClinVar variation 4801105 (VCV004801105.1).